The following is an entry in ClinVar:

ClinVar aggregate classification (germline): Uncertain significance. Review status: criteria provided, multiple submitters, no conflicts (2 of 4 stars). 3 submissions from 3 submitters: Uncertain significance (3). Last evaluated 2024-02-01.

Conditions:
Epilepsy, childhood absence, susceptibility to, 5. Identifiers: Orphanet 64280, MedGen C2677087, MONDO:0012843, OMIM 612269.
Epilepsy, childhood absence, susceptibility to, 1. Also called: Epilepsy, childhood absence 1. Identifiers: Orphanet 64280, MedGen C1838604, MONDO:0020759, OMIM 600131.

Allele frequency attached by ClinVar (database versions not stated): gnomAD exomes below 0.00001.

Submissions (3):

CeGaT Center for Human Genetics Tuebingen
Classification: Uncertain significance. Last evaluated: 2024-02-01. Review status: criteria provided, single submitter. Criteria: CeGaT Center For Human Genetics Tuebingen Variant Classification Criteria Version 2. Collection method: clinical testing. Allele origin: germline. Affected: yes. Observed: 1 variant allele.
Comment: GABRB3: PM2, PP2, PP3

Labcorp Genetics (formerly Invitae), Labcorp
Classification: Uncertain significance for Epilepsy, childhood absence, susceptibility to, 5; Epilepsy, childhood absence, susceptibility to, 1. Last evaluated: 2023-08-01. Review status: criteria provided, single submitter. Criteria: Invitae Variant Classification Sherloc (09022015). Collection method: clinical testing. Allele origin: germline.
Comment: This sequence change replaces lysine, which is basic and polar, with threonine, which is neutral and polar, at codon 436 of the GABRB3 protein (p.Lys436Thr). This variant is not present in population databases (gnomAD no frequency). This variant has not been reported in the literature in individuals affected with GABRB3-related conditions. ClinVar contains an entry for this variant (Variation ID: 1317379). Advanced modeling of protein sequence and biophysical properties (such as structural, functional, and spatial information, amino acid conservation, physicochemical variation, residue mobility, and thermodynamic stability) has been performed at Invitae for this missense variant, however the output from this modeling did not meet the statistical confidence thresholds required to predict the impact of this variant on GABRB3 protein function. In summary, the available evidence is currently insufficient to determine the role of this variant in disease. Therefore, it has been classified as a Variant of Uncertain Significance.

GeneDx
Classification: Uncertain significance. Last evaluated: 2020-10-29. Review status: criteria provided, single submitter. Criteria: GeneDx Variant Classification Process June 2021. Collection method: clinical testing. Allele origin: germline. Affected: yes.
Comment: Not observed in large population cohorts (Lek et al., 2016); In silico analysis supports that this missense variant has a deleterious effect on protein structure/function; Has not been previously published as pathogenic or benign to our knowledge

NM_000814.6(GABRB3):c.1307A>C (p.Lys436Thr)

Gene: GABRB3 (gamma-aminobutyric acid type A receptor subunit beta3; minus strand). Cytogenetic location: 15q12.
Variant type: single nucleotide variant.
Coding change: c.1307A>C on transcript NM_000814.6 (MANE Select); coding-DNA position 1307, A replaced by C.
Protein change: p.Lys436Thr; replaces lysine 436 with threonine.
Molecular consequence: missense variant.
Genome position (GRCh38, 1-based): chr15:26,547,908, T>G on the plus strand (A>C on the coding strand, the complement: GABRB3 is on the minus strand). VCF-style: chr15-26547908-T-G. GRCh37 (hg19) VCF-style: chr15-26793055-T-G.
Other names: c.1052A>C, p.Lys351Thr (NM_001191320.2, NM_001278631.2); c.1094A>C, p.Lys365Thr (NM_001191321.3); c.1307A>C, p.Lys436Thr (NM_021912.5); short protein forms K351T, K365T, K436T.
Identifiers: ClinVar variation 1317379 (VCV001317379.27), dbSNP rs2140645254, ClinGen allele CA391458645.
Genomic context (GRCh38, chr15:26,547,908, plus strand): 5'-AACACGATCCTGGACCATCTGTCTATGGCATTCACATCGGTTAGATCAGGTATTTTAATT[T>G]TGAGCTGTGAAGACCTCCTCCGTAGATGGGTCTTCTTGTGCGGGAGGCTTCTGTCCCCCA-3'
Protein context (NP_000805.1, residues 426-446): THLRRRSSQL[Lys436Thr]IKIPDLTDVN